The following is an entry in ClinVar:

NM_130384.3(ATRIP):c.2350G>A (p.Glu784Lys)

Genes: ATRIP (ATR interacting protein; plus strand), ATRIP-TREX1 (ATRIP-TREX1 readthrough; plus strand), LOC129936704 (ATAC-STARR-seq lymphoblastoid active region 19829; plus strand). Cytogenetic location: 3p21.31.
Variant type: single nucleotide variant.
Coding change: c.2350G>A on transcript NM_130384.3 (MANE Select); coding-DNA position 2350, G replaced by A.
Protein change: p.Glu784Lys; replaces glutamic acid 784 with lysine.
Molecular consequence: missense variant. On other transcripts: non-coding transcript variant (1).
Genome position (GRCh38, 1-based): chr3:48,465,528, G>A. VCF-style: chr3-48465528-G-A. GRCh37 (hg19) VCF-style: chr3-48506927-G-A.
Other names: c.-808G>A (NM_033629.4); c.1969G>A, p.Glu657Lys (NM_001271022.2); c.2071G>A, p.Glu691Lys (NM_001271023.2); c.2269G>A, p.Glu757Lys (NM_032166.4); short protein forms E757K, E657K, E691K, E784K.
Identifiers: ClinVar variation 3810655 (VCV003810655.1).

ClinVar aggregate classification (germline): Uncertain significance (1 of 4 stars; one submission).

Submission:

Ambry Genetics
Classification: Uncertain significance. Last evaluated: 2025-02-11. Review status: criteria provided, single submitter. Criteria: Ambry Variant Classification Scheme 2023. Collection method: clinical testing. Allele origin: germline.
Comment: The p.E784K variant (also known as c.2350G>A), located in coding exon 13 of the ATRIP gene, results from a G to A substitution at nucleotide position 2350. The glutamic acid at codon 784 is replaced by lysine, an amino acid with similar properties. This amino acid position is conserved. In addition, this alteration is predicted to be tolerated by in silico analysis. Based on the available evidence, the clinical significance of this variant remains unclear.